The following is an entry in ClinVar:

ClinVar aggregate classification (germline): Uncertain significance (1 of 4 stars; one submission).

Submission:

GeneDx
Classification: Uncertain significance. Last evaluated: 2022-08-30. Review status: criteria provided, single submitter. Criteria: GeneDx Variant Classification Process June 2021. Collection method: clinical testing. Allele origin: germline. Affected: yes.
Comment: Not observed at significant frequency in large population cohorts (gnomAD); In silico analysis supports that this missense variant has a deleterious effect on protein structure/function; Has not been previously published as pathogenic or benign to our knowledge

NM_032271.3(TRAF7):c.248C>T (p.Pro83Leu)

Gene: TRAF7 (TNF receptor associated factor 7; plus strand). Cytogenetic location: 16p13.3.
Variant type: single nucleotide variant.
Coding change: c.248C>T on transcript NM_032271.3 (MANE Select); coding-DNA position 248, C replaced by T.
Protein change: p.Pro83Leu; replaces proline 83 with leucine.
Molecular consequence: missense variant.
Genome position (GRCh38, 1-based): chr16:2,170,630, C>T. VCF-style: chr16-2170630-C-T. GRCh37 (hg19) VCF-style: chr16-2220631-C-T.
Other names: short protein forms P83L.
Identifiers: ClinVar variation 2442495 (VCV002442495.1), dbSNP rs2545002470, ClinGen allele CA394315984.